The following is an entry in ClinVar:

ClinVar aggregate classification (germline): Conflicting classifications of pathogenicity. Review status: criteria provided, conflicting classifications (1 of 4 stars). 3 submissions from 3 submitters: Uncertain significance (2); Likely benign (1). Last evaluated 2025-06-14.

Conditions:
Hereditary breast ovarian cancer syndrome. Also called: Hereditary breast and ovarian cancer syndrome (HBOC); Breast and ovarian cancer; Hereditary breast and ovarian cancer syndrome; Hereditary breast and ovarian cancer; BRCA1- and BRCA2-Associated Hereditary Breast and Ovarian Cancer; Hereditary breast and/or ovarian cancer syndrome. Identifiers: Orphanet 145, MedGen C0677776, MeSH D061325, MONDO:0003582. Disease mechanism: loss of function.
Hereditary cancer-predisposing syndrome. Also called: Neoplastic Syndromes, Hereditary; Hereditary Cancer Syndrome; Tumor predisposition; Hereditary neoplastic syndrome. Identifiers: Orphanet 140162, MedGen C0027672, MeSH D009386, MONDO:0015356.
Breast-ovarian cancer, familial, susceptibility to, 2 (BROVCA2). Also called: BRCA2 Hereditary Breast and Ovarian Cancer. Identifiers: Orphanet 145, MedGen C2675520, MONDO:0012933, OMIM 612555. Disease mechanism: loss of function.

Allele frequency attached by ClinVar (database versions not stated): gnomAD exomes below 0.00001; ExAC 0.00001.
gnomAD v4.1: 1 of 1,603,086 alleles (0.000062%); highest among the groups gnomAD compares: Non-Finnish European, 0.000085%; no homozygotes.

Submissions (3):

Labcorp Genetics (formerly Invitae), Labcorp
Classification: Uncertain significance for Hereditary breast ovarian cancer syndrome. Last evaluated: 2025-06-14. Review status: criteria provided, single submitter. Criteria: Invitae Variant Classification Sherloc (09022015). Collection method: clinical testing. Allele origin: germline.
Comment: This sequence change replaces aspartic acid, which is acidic and polar, with glutamic acid, which is acidic and polar, at codon 651 of the BRCA2 protein (p.Asp651Glu). This variant is present in population databases (rs771442178, gnomAD 0.0009%). This variant has not been reported in the literature in individuals affected with BRCA2-related conditions. ClinVar contains an entry for this variant (Variation ID: 584849). Invitae Evidence Modeling of protein sequence and biophysical properties (such as structural, functional, and spatial information, amino acid conservation, physicochemical variation, residue mobility, and thermodynamic stability) indicates that this missense variant is not expected to disrupt BRCA2 protein function with a negative predictive value of 95%. In summary, the available evidence is currently insufficient to determine the role of this variant in disease. Therefore, it has been classified as a Variant of Uncertain Significance.

University of Washington Department of Laboratory Medicine, University of Washington
Classification: Likely benign for Hereditary cancer-predisposing syndrome. Last evaluated: 2023-03-23. Review status: criteria provided, single submitter. Criteria: Dines et al. (Genet Med. 2020). Collection method: curation. Allele origin: germline.
Comment: Missense variant in a coldspot region where missense variants are very unlikely to be pathogenic (PMID:31911673).

BRCA2 exon 11 coldspot. Reclassification based on statistical prior probability.

Mendelics
Classification: Uncertain significance for Breast-ovarian cancer, familial, susceptibility to, 2. Last evaluated: 2019-05-28. Review status: criteria provided, single submitter. Criteria: Mendelics Assertion Criteria 2017. Collection method: clinical testing. Allele origin: unknown.

NM_000059.4(BRCA2):c.1953T>G (p.Asp651Glu)

Gene: BRCA2 (BRCA2 DNA repair associated; plus strand). Cytogenetic location: 13q13.1.
Variant type: single nucleotide variant.
Coding change: c.1953T>G on transcript NM_000059.4 (MANE Select); coding-DNA position 1953, T replaced by G.
Protein change: p.Asp651Glu; replaces aspartic acid 651 with glutamic acid.
Molecular consequence: missense variant.
Genome position (GRCh38, 1-based): chr13:32,336,308, T>G. VCF-style: chr13-32336308-T-G. GRCh37 (hg19) VCF-style: chr13-32910445-T-G.
Other names: short protein forms D651E.
Identifiers: ClinVar variation 584849 (VCV000584849.6), dbSNP rs771442178, ClinGen allele CA6940568.